The following is an entry in ClinVar:

ClinVar aggregate classification (germline): Uncertain significance. Review status: criteria provided, multiple submitters, no conflicts (2 of 4 stars). 2 submissions from 2 submitters: Uncertain significance (2). Last evaluated 2025-05-07.

Conditions:
Benign neonatal seizures. Also called: Benign familial neonatal epilepsy; Convulsions benign familial neonatal dominant form; Autosomal dominant form of benign neonatal seizures; Benign familial neonatal seizures; Benign neonatal familial convulsions. Identifiers: Orphanet 1949, MedGen C0220669, MONDO:0016027.

Allele frequency attached by ClinVar (database versions not stated): gnomAD exomes below 0.00001.
gnomAD v4.1: 1 of 1,614,198 alleles (0.000062%); highest among the groups gnomAD compares: South Asian, 0.0011%; no homozygotes.

Submissions (2):

Labcorp Genetics (formerly Invitae), Labcorp
Classification: Uncertain significance for Benign neonatal seizures. Last evaluated: 2025-05-07. Review status: criteria provided, single submitter. Criteria: Invitae Variant Classification Sherloc (09022015). Collection method: clinical testing. Allele origin: germline.
Comment: This sequence change replaces arginine, which is basic and polar, with glutamine, which is neutral and polar, at codon 239 of the KCNQ3 protein (p.Arg239Gln). This variant is not present in population databases (gnomAD no frequency). This variant has not been reported in the literature in individuals affected with KCNQ3-related conditions. ClinVar contains an entry for this variant (Variation ID: 2157463). Invitae Evidence Modeling of protein sequence and biophysical properties (such as structural, functional, and spatial information, amino acid conservation, physicochemical variation, residue mobility, and thermodynamic stability) indicates that this missense variant is expected to disrupt KCNQ3 protein function with a positive predictive value of 80%. In summary, the available evidence is currently insufficient to determine the role of this variant in disease. Therefore, it has been classified as a Variant of Uncertain Significance.

GeneDx
Classification: Uncertain significance. Last evaluated: 2023-05-21. Review status: criteria provided, single submitter. Criteria: GeneDx Variant Classification Process June 2021. Collection method: clinical testing. Allele origin: germline. Affected: yes.
Comment: Not observed at significant frequency in large population cohorts (gnomAD); In silico analysis supports that this missense variant has a deleterious effect on protein structure/function; Has not been previously published as pathogenic or benign to our knowledge

NM_004519.4(KCNQ3):c.716G>A (p.Arg239Gln)

Gene: KCNQ3 (potassium voltage-gated channel subfamily Q member 3; minus strand). Cytogenetic location: 8q24.22.
Variant type: single nucleotide variant.
Coding change: c.716G>A on transcript NM_004519.4 (MANE Select); coding-DNA position 716, G replaced by A.
Protein change: p.Arg239Gln; replaces arginine 239 with glutamine.
Molecular consequence: missense variant.
Genome position (GRCh38, 1-based): chr8:132,180,218, C>T on the plus strand (G>A on the coding strand, the complement: KCNQ3 is on the minus strand). VCF-style: chr8-132180218-C-T. GRCh37 (hg19) VCF-style: chr8-133192465-C-T.
Other names: c.356G>A, p.Arg119Gln (NM_001204824.2); c.716G>A (NM_004519.3); short protein forms R239Q, R119Q.
Identifiers: ClinVar variation 2157463 (VCV002157463.5), dbSNP rs1344267483, ClinGen allele CA372290785.